The following is an entry in ClinVar:

ClinVar aggregate classification (germline): Uncertain significance. Review status: criteria provided, multiple submitters, no conflicts (2 of 4 stars). 2 submissions from 2 submitters: Uncertain significance (2). Last evaluated 2025-04-02.

Conditions:
Spastic paraplegia. Identifiers: MedGen C0037772, HP:0001258.

Allele frequency attached by ClinVar (database versions not stated): gnomAD 0.00001; TOPMed 0.00001; gnomAD exomes 0.00002 and 0.00004; ExAC 0.00004.

Submissions (2):

Labcorp Genetics (formerly Invitae), Labcorp
Classification: Uncertain significance for Spastic paraplegia. Last evaluated: 2025-04-02. Review status: criteria provided, single submitter. Criteria: Invitae Variant Classification Sherloc (09022015). Collection method: clinical testing. Allele origin: germline.
Comment: This sequence change creates a premature translational stop signal (p.Arg336*) in the ARSI gene. While this is not anticipated to result in nonsense mediated decay, it is expected to disrupt the last 234 amino acid(s) of the ARSI protein. This variant is present in population databases (rs754812781, gnomAD 0.03%). This premature translational stop signal has been observed in individual(s) with clinical features of hereditary spastic paraplegia (PMID: 34983064). ClinVar contains an entry for this variant (Variation ID: 989031). In summary, the available evidence is currently insufficient to determine the role of this variant in disease. Therefore, it has been classified as a Variant of Uncertain Significance.

Paris Brain Institute, Inserm - ICM
Classification: Uncertain significance for Spastic paraplegia. Review status: criteria provided, single submitter. Criteria: ACMG Guidelines, 2015. Collection method: clinical testing. Allele origin: unknown. Affected: yes. Observed: 1 variant allele.

Literature cited by the submitters: PubMed 34983064 (cited by Labcorp Genetics (formerly Invitae), Labcorp).

NM_001012301.4(ARSI):c.1006C>T (p.Arg336Ter)

Gene: ARSI (arylsulfatase family member I; minus strand). Cytogenetic location: 5q32.
Variant type: single nucleotide variant.
Coding change: c.1006C>T on transcript NM_001012301.4 (MANE Select); coding-DNA position 1006, C replaced by T.
Protein change: p.Arg336Ter; replaces arginine 336 with a stop codon.
Molecular consequence: nonsense.
Genome position (GRCh38, 1-based): chr5:150,297,918, G>A on the plus strand (C>T on the coding strand, the complement: ARSI is on the minus strand). VCF-style: chr5-150297918-G-A. GRCh37 (hg19) VCF-style: chr5-149677481-G-A.
Other names: short protein forms R336*.
Identifiers: ClinVar variation 989031 (VCV000989031.2), dbSNP rs754812781, ClinGen allele CA3510191.
Genomic context (GRCh38, chr5:150,297,918, plus strand): 5'-CCACCAGGGTCGGGTACCAGTCAGTGATGTGCATCAGTGCCCGGCTTGTCCGTTGCTTTC[G>A]CTTGAGCAGGGGACTGTGGACAAAGCCTAGGCCCCGCACGCCACCTTCCCAATAAGTGCC-3'